The following is an entry in ClinVar:

ClinVar aggregate classification (germline): Uncertain significance. Review status: criteria provided, multiple submitters, no conflicts (2 of 4 stars). 2 submissions from 2 submitters: Uncertain significance (2). Last evaluated 2025-10-02.

Conditions:
Erythrocytosis, familial, 3 (ECYT3). Identifiers: Orphanet 247511, MedGen C1853286, MONDO:0012353, OMIM 609820.

Submissions (2):

Ambry Genetics
Classification: Uncertain significance. Last evaluated: 2025-10-02. Review status: criteria provided, single submitter. Criteria: Ambry Variant Classification Scheme 2023. Collection method: clinical testing. Allele origin: germline.
Comment: The p.G76S variant (also known as c.226G>A), located in coding exon 1 of the EGLN1 gene, results from a G to A substitution at nucleotide position 226. The glycine at codon 76 is replaced by serine, an amino acid with similar properties. This amino acid position is conserved. In addition, this alteration is predicted to be tolerated by in silico analysis. Since supporting evidence is limited at this time, the clinical significance of this alteration remains unclear.

Labcorp Genetics (formerly Invitae), Labcorp
Classification: Uncertain significance for Erythrocytosis, familial, 3. Last evaluated: 2021-12-11. Review status: criteria provided, single submitter. Criteria: Invitae Variant Classification Sherloc (09022015). Collection method: clinical testing. Allele origin: germline.
Comment: This sequence change replaces glycine, which is neutral and non-polar, with serine, which is neutral and polar, at codon 76 of the EGLN1 protein (p.Gly76Ser). In summary, the available evidence is currently insufficient to determine the role of this variant in disease. Therefore, it has been classified as a Variant of Uncertain Significance. Algorithms developed to predict the effect of missense changes on protein structure and function output the following: SIFT: "Tolerated"; PolyPhen-2: "Possibly Damaging"; Align-GVGD: "Class C0". The serine amino acid residue is found in multiple mammalian species, which suggests that this missense change does not adversely affect protein function. This variant has not been reported in the literature in individuals affected with EGLN1-related conditions. This variant is not present in population databases (gnomAD no frequency).

NM_022051.3(EGLN1):c.226G>A (p.Gly76Ser)

Gene: EGLN1 (egl-9 family hypoxia inducible factor 1; minus strand). Cytogenetic location: 1q42.2.
Variant type: single nucleotide variant.
Coding change: c.226G>A on transcript NM_022051.3 (MANE Select); coding-DNA position 226, G replaced by A.
Protein change: p.Gly76Ser; replaces glycine 76 with serine.
Molecular consequence: missense variant.
Genome position (GRCh38, 1-based): chr1:231,421,663, C>T on the plus strand (G>A on the coding strand, the complement: EGLN1 is on the minus strand). VCF-style: chr1-231421663-C-T. GRCh37 (hg19) VCF-style: chr1-231557409-C-T.
Other names: c.226G>A, p.Gly76Ser (NM_001377260.1, NM_001377261.1); short protein forms G76S.
Identifiers: ClinVar variation 1425858 (VCV001425858.9), dbSNP rs1224937631, ClinGen allele CA345238446.